The following is an entry in ClinVar:

ClinVar aggregate classification (germline): Conflicting classifications of pathogenicity. Review status: criteria provided, conflicting classifications (1 of 4 stars). 2 submissions from 2 submitters: Uncertain significance (1); Likely benign (1). Last evaluated 2024-12-01.

Conditions:
Inborn genetic diseases. Identifiers: MedGen C0950123, MeSH D030342.

Allele frequency attached by ClinVar (database versions not stated): TOPMed 0.00011; gnomAD 0.00018; gnomAD exomes 0.00021 and 0.00023; ExAC 0.00025; ESP Exome Variant Server 0.00031.
gnomAD v4.1: 361 of 1,612,444 alleles (0.022%); highest among the groups gnomAD compares: Middle Eastern, 0.15%; no homozygotes.

Submissions (2):

CeGaT Center for Human Genetics Tuebingen
Classification: Likely benign. Last evaluated: 2024-12-01. Review status: criteria provided, single submitter. Criteria: CeGaT Center For Human Genetics Tuebingen Variant Classification Criteria Version 2. Collection method: clinical testing. Allele origin: germline. Affected: yes. Observed: 3 variant alleles.
Comment: LINS1: BP4

Ambry Genetics
Classification: Uncertain significance for Inborn genetic diseases. Last evaluated: 2018-03-29. Review status: criteria provided, single submitter. Criteria: Ambry Variant Classification Scheme 2023. Collection method: clinical testing. Allele origin: germline.
Comment: The p.N185S variant (also known as c.554A>G), located in coding exon 3 of the LINS gene, results from an A to G substitution at nucleotide position 554. The asparagine at codon 185 is replaced by serine, an amino acid with highly similar properties. This amino acid position is not well conserved in available vertebrate species. In addition, this alteration is predicted to be tolerated by in silico analysis. Since supporting evidence is limited at this time, the clinical significance of this alteration remains unclear.

NM_001040616.3(LINS1):c.554A>G (p.Asn185Ser)

Gene: LINS1 (lines homolog 1; minus strand). Cytogenetic location: 15q26.3.
Variant type: single nucleotide variant.
Coding change: c.554A>G on transcript NM_001040616.3 (MANE Select); coding-DNA position 554, A replaced by G.
Protein change: p.Asn185Ser; replaces asparagine 185 with serine.
Molecular consequence: missense variant. On other transcripts: 5 prime UTR variant (1), non-coding transcript variant (3).
Genome position (GRCh38, 1-based): chr15:100,575,064, T>C on the plus strand (A>G on the coding strand, the complement: LINS1 is on the minus strand). VCF-style: chr15-100575064-T-C. GRCh37 (hg19) VCF-style: chr15-101115269-T-C.
Other names: c.-194A>G (NM_001352507.2); c.509A>G, p.Asn170Ser (NM_001352508.2); short protein forms N185S, N170S.
Identifiers: ClinVar variation 425080 (VCV000425080.45), dbSNP rs146704559, ClinGen allele CA7759653.